The following is an entry in ClinVar:

NM_020884.7(MYH7B):c.3928C>T (p.Arg1310Cys)

Gene: MYH7B (myosin heavy chain 7B; plus strand). Cytogenetic location: 20q11.22.
Variant type: single nucleotide variant.
Coding change: c.3928C>T on transcript NM_020884.7 (MANE Select); coding-DNA position 3928, C replaced by T.
Protein change: p.Arg1310Cys; replaces arginine 1310 with cysteine.
Molecular consequence: missense variant.
Genome position (GRCh38, 1-based): chr20:34,998,564, C>T. VCF-style: chr20-34998564-C-T. GRCh37 (hg19) VCF-style: chr20-33586367-C-T.
Other names: c.4054C>T (NM_020884.4); short protein forms R1310C.
Identifiers: ClinVar variation 2721218 (VCV002721218.4), dbSNP rs746610836, ClinGen allele CA9827926.

ClinVar aggregate classification (germline): Uncertain significance. Review status: criteria provided, multiple submitters, no conflicts (2 of 4 stars). 2 submissions from 2 submitters: Uncertain significance (2). Last evaluated 2026-07-20.

Conditions:
MYH7B-related disorder. Also called: MYH7B-related condition.

Allele frequency attached by ClinVar (database versions not stated): gnomAD 0.00002; TOPMed 0.00002; gnomAD exomes 0.00007; ExAC 0.00017.
gnomAD v4.1: 100 of 1,613,704 alleles (0.0062%); highest among the groups gnomAD compares: South Asian, 0.071%; 1 homozygote.

Submissions (2):

PreventionGenetics, part of Exact Sciences
Classification: Uncertain significance for MYH7B-related condition. Last evaluated: 2026-07-20. Review status: criteria provided, single submitter. Criteria: ACMG Guidelines, 2015. Collection method: clinical testing. Allele origin: germline.
Comment: The MYH7B c.4054C>T variant is predicted to result in the amino acid substitution p.Arg1352Cys. To our knowledge, this variant has not been reported in the literature. This variant is reported in 0.078% of alleles in individuals of South Asian descent in gnomAD. Although we suspect that this variant may be benign, at this time, the clinical significance of this variant is uncertain due to the absence of conclusive functional and genetic evidence.

Labcorp Genetics (formerly Invitae), Labcorp
Classification: Uncertain significance. Last evaluated: 2025-05-25. Review status: criteria provided, single submitter. Criteria: Invitae Variant Classification Sherloc (09022015). Collection method: clinical testing. Allele origin: germline.
Comment: This sequence change replaces arginine, which is basic and polar, with cysteine, which is neutral and slightly polar, at codon 1352 of the MYH7B protein (p.Arg1352Cys). This variant is present in population databases (rs746610836, gnomAD 0.08%), and has an allele count higher than expected for a pathogenic variant. This variant has not been reported in the literature in individuals affected with MYH7B-related conditions. ClinVar contains an entry for this variant (Variation ID: 2721218). Invitae Evidence Modeling of protein sequence and biophysical properties (such as structural, functional, and spatial information, amino acid conservation, physicochemical variation, residue mobility, and thermodynamic stability) indicates that this missense variant is expected to disrupt MYH7B protein function with a positive predictive value of 80%. In summary, the available evidence is currently insufficient to determine the role of this variant in disease. Therefore, it has been classified as a Variant of Uncertain Significance.